The following is an entry in ClinVar:

NM_000053.4(ATP7B):c.2292_2312del (p.Asp765_Phe771del)

Gene: ATP7B (ATPase copper transporting beta; minus strand). Cytogenetic location: 13q14.3.
Variant type: Deletion.
Coding change: c.2292_2312del on transcript NM_000053.4 (MANE Select); coding-DNA positions 2292 to 2312, 21 bases deleted (CGACACGCCCCCCATGCTCTT).
Protein change: p.Asp765_Phe771del.
Molecular consequence: inframe deletion. On other transcripts: intron variant (14).
Genome position (GRCh38, 1-based): chr13:51,958,354-51,958,374, AAGAGCATGGGGGGCGTGTCG deleted on the plus strand (CGACACGCCCCCCATGCTCTT on the coding strand, the reverse complement: ATP7B is on the minus strand); deleting any 21 consecutive bases within chr13:51,958,354-51,958,378 gives the same sequence; the c. name uses the placement nearest the transcript's 3' end. VCF-style (leftmost placement, unchanged base first): chr13-51958353-AAAGAGCATGGGGGGCGTGTCG-A. GRCh37 (hg19) VCF-style: chr13-52532489-AAAGAGCATGGGGGGCGTGTCG-A.
Other names: c.2292_2312del, p.Asp765_Phe771del (NM_001406515.1, NM_001406516.1, NM_001406519.1 and 7 more transcripts); c.2196_2216del, p.Asp733_Phe739del (NM_001406517.1, NM_001406518.1); c.2148_2168del, p.Asp717_Phe723del (NM_001406520.1, NM_001406521.1, NM_001406522.1 and 1 more transcripts); c.2115_2135del, p.Asp706_Phe712del (NM_001406524.1); c.2052_2072del, p.Asp685_Phe691del (NM_001406530.1); c.2040_2060del, p.Asp681_Phe687del (NM_001406531.1, NM_001406532.1, NM_001406540.1 and 1 more transcripts); c.1863_1883del, p.Asp622_Phe628del (NM_001406539.1); c.1944_1964del, p.Asp649_Phe655del (NM_001406543.1); and 8 more.
Identifiers: ClinVar variation 2891905 (VCV002891905.4), dbSNP rs2547714818, ClinGen allele CA2695218067.
Genomic context (GRCh38, chr13:51,958,353, plus strand): 5'-ACCTGAAGCTGCTGTTACCTTTGCCAAGTGTTCCAGCCACCGGCCCAGGGCAATGAACAC[AAAGAGCATGGGGGGCGTGTCG>A]AAGAATGTCACAGGGCTCCTCTCCGCCTTCTCAGCCACAGCAACCACCAGGATGACCAGA-3'

ClinVar aggregate classification (germline): Pathogenic/Likely pathogenic. Review status: criteria provided, multiple submitters, no conflicts (2 of 4 stars). 2 submissions from 2 submitters: Pathogenic (1); Likely pathogenic (1). Last evaluated 2023-12-05.

Conditions:
Wilson disease (WND). Also called: Wilson's disease. Identifiers: Orphanet 905, MedGen C0019202, MONDO:0010200, OMIM 277900. Disease mechanism: loss of function.

Submissions (2):

Revvity Omics, Revvity
Classification: Likely pathogenic for Wilson disease. Last evaluated: 2023-12-05. Review status: criteria provided, single submitter. Criteria: ACMG Guidelines, 2015. Collection method: clinical testing. Allele origin: germline.

Labcorp Genetics (formerly Invitae), Labcorp
Classification: Pathogenic for Wilson disease. Last evaluated: 2023-07-19. Review status: criteria provided, single submitter. Criteria: Invitae Variant Classification Sherloc (09022015). Collection method: clinical testing. Allele origin: germline.
Comment: This variant, c.2292_2312del, results in the deletion of 7 amino acid(s) of the ATP7B protein (p.Asp765_Phe771del), but otherwise preserves the integrity of the reading frame. This variant is not present in population databases (gnomAD no frequency). This variant has not been reported in the literature in individuals affected with ATP7B-related conditions. This variant disrupts a region of the ATP7B protein in which other variant(s) (p.Met769Val) have been determined to be pathogenic (PMID: 7626145, 11690702, 19118915, 20517649, 21610751). This suggests that this is a clinically significant region of the protein, and that variants that disrupt it are likely to be disease-causing. For these reasons, this variant has been classified as Pathogenic.

Literature cited by the submitters: PubMed 7626145 (cited by Labcorp Genetics (formerly Invitae), Labcorp); PubMed 11690702 (cited by Labcorp Genetics (formerly Invitae), Labcorp); PubMed 19118915 (cited by Labcorp Genetics (formerly Invitae), Labcorp); PubMed 20517649 (cited by Labcorp Genetics (formerly Invitae), Labcorp); PubMed 21610751 (cited by Labcorp Genetics (formerly Invitae), Labcorp).